The following is an entry in ClinVar:

ClinVar aggregate classification (germline): Pathogenic. Review status: reviewed by expert panel (3 of 4 stars). 4 submissions from 4 submitters: Pathogenic (1). 3 of the submissions do not count toward it. Last evaluated 2013-09-05.

Conditions:
Hereditary cancer-predisposing syndrome. Also called: Tumor predisposition; Hereditary Cancer Syndrome; Hereditary neoplastic syndrome; Neoplastic Syndromes, Hereditary. Identifiers: Orphanet 140162, MedGen C0027672, MeSH D009386, MONDO:0015356.
Lynch syndrome. Identifiers: Orphanet 144, MedGen C4552100, MONDO:0005835. Disease mechanism: loss of function.
Lynch syndrome 5 (LYNCH5). Also called: Colorectal cancer, hereditary nonpolyposis, type 5; Hereditary non-polyposis colorectal cancer, type 5. Identifiers: Orphanet 144, MedGen C1833477, MONDO:0013710, OMIM 614350. Disease mechanism: loss of function.
Hereditary nonpolyposis colorectal neoplasms. Identifiers: MedGen C0009405, MeSH D003123.

Submissions (4):

International Society for Gastrointestinal Hereditary Tumours (InSiGHT)
Classification: Pathogenic for Lynch Syndrome. Last evaluated: 2013-09-05. Review status: reviewed by expert panel. Criteria: Guidelines v1.9. Collection method: research. Allele origin: germline.
Comment: Coding sequence variation resulting in a stop codon

Classified with v1.9 guidelines

Labcorp Genetics (formerly Invitae), Labcorp
Classification: Pathogenic for Hereditary nonpolyposis colorectal neoplasms. Last evaluated: 2025-04-27. Review status: criteria provided, single submitter. Criteria: Invitae Variant Classification Sherloc (09022015). Collection method: clinical testing. Allele origin: germline. Not counted in ClinVar's aggregate classification.
Comment: This sequence change creates a premature translational stop signal (p.Lys543Argfs*19) in the MSH6 gene. It is expected to result in an absent or disrupted protein product. Loss-of-function variants in MSH6 are known to be pathogenic (PMID: 18269114, 24362816). This variant is not present in population databases (gnomAD no frequency). This premature translational stop signal has been observed in individual(s) with breast cancer and with clinical features of Lynch syndrome (PMID: 20028993, 20215533). ClinVar contains an entry for this variant (Variation ID: 89209). For these reasons, this variant has been classified as Pathogenic.

Myriad Genetics, Inc.
Classification: Pathogenic for Lynch syndrome 5. Last evaluated: 2023-08-15. Review status: criteria provided, single submitter. Criteria: Myriad Autosomal Dominant, Autosomal Recessive and X-Linked Classification Criteria (2023). Collection method: clinical testing. Allele origin: unknown. Not counted in ClinVar's aggregate classification.
Comment: This variant is considered pathogenic. This variant creates a frameshift predicted to result in premature protein truncation.

Ambry Genetics
Classification: Pathogenic for Hereditary cancer-predisposing syndrome. Last evaluated: 2023-06-27. Review status: criteria provided, single submitter. Criteria: Ambry Variant Classification Scheme 2023. Collection method: clinical testing. Allele origin: germline. Not counted in ClinVar's aggregate classification.
Comment: The c.1628_1629delAA pathogenic mutation, located in coding exon 4 of the MSH6 gene, results from a deletion of two nucleotides at nucleotide positions 1628 to 1629, causing a translational frameshift with a predicted alternate stop codon (p.K543Rfs*19). In addition to the clinical data presented in the literature, this alteration is expected to result in loss of function by premature protein truncation or nonsense-mediated mRNA decay. As such, this alteration is interpreted as a disease-causing mutation.

Literature cited by the submitters: PubMed 18269114 (cited by Labcorp Genetics (formerly Invitae), Labcorp); PubMed 24362816 (cited by Labcorp Genetics (formerly Invitae), Labcorp); PubMed 20028993 (cited by Labcorp Genetics (formerly Invitae), Labcorp and Ambry Genetics); PubMed 20215533 (cited by Labcorp Genetics (formerly Invitae), Labcorp and Ambry Genetics).

NM_000179.3(MSH6):c.1628_1629del (p.Lys543fs)

Gene: MSH6 (mutS homolog 6; plus strand). Cytogenetic location: 2p16.3.
Variant type: Deletion.
Coding change: c.1628_1629del on transcript NM_000179.3 (MANE Select); coding-DNA positions 1628 to 1629, 2 bases deleted (AA; older notation c.1628_1629delAA).
Protein change: p.Lys543fs; shifts the reading frame from lysine 543.
Molecular consequence: frameshift variant.
Genome position (GRCh38, 1-based): chr2:47,799,611-47,799,612, AA deleted; deleting any 2 consecutive bases within chr2:47,799,610-47,799,612 gives the same sequence; the c. name uses the placement nearest the transcript's 3' end. VCF-style (leftmost placement, unchanged base first): chr2-47799609-CAA-C. GRCh37 (hg19) VCF-style: chr2-48026748-CAA-C.
Other names: c.1238_1239del, p.Lys413fs (NM_001281492.2); c.722_723del, p.Lys241fs (NM_001281493.2, NM_001281494.2); short protein forms K241fs, K413fs.
Identifiers: ClinVar variation 89209 (VCV000089209.15), dbSNP rs587779219, ClinGen allele CA008935.